The following is an entry in ClinVar:

NM_006269.2(RP1):c.160del (p.Val54fs)

Gene: RP1 (RP1 axonemal microtubule associated; plus strand). Cytogenetic location: 8q12.1.
Variant type: Deletion.
Coding change: c.160del on transcript NM_006269.2 (MANE Select); coding-DNA position 160, one base deleted (G; older notation c.160delG).
Protein change: p.Val54fs; shifts the reading frame from valine 54.
Molecular consequence: frameshift variant.
Genome position (GRCh38, 1-based): chr8:54,621,126, G deleted; the last of 2 consecutive G bases (chr8:54,621,125-54,621,126); deleting either gives the same sequence. VCF-style (leftmost placement, unchanged base first): chr8-54621124-TG-T. GRCh37 (hg19) VCF-style: chr8-55533684-TG-T.
Other names: c.160del, p.Val54fs (NM_001375654.1); short protein forms V54fs.
Identifiers: ClinVar variation 3376273 (VCV003376273.2).

ClinVar aggregate classification (germline): Pathogenic/Likely pathogenic. Review status: criteria provided, multiple submitters, no conflicts (2 of 4 stars). 2 submissions from 2 submitters: Pathogenic (1); Likely pathogenic (1). Last evaluated 2026-02-18.

Conditions:
Retinitis pigmentosa 1 (RP1). Identifiers: Orphanet 791, MedGen C0220701, MONDO:0008377, OMIM 180100.
Retinal disorder. Also called: Retinopathies; Retinal Diseases; Retinal disorders; Retinopathy. Identifiers: MedGen C0035309, MONDO:0005283, HP:0000488.

Submissions (2):

Genetics Laboratory, Great Ormond Street Hospital NHS Foundation Trust, North Thames Genomic Laboratory Hub
Classification: Pathogenic for Retinal disorders. Last evaluated: 2026-02-18. Review status: criteria provided, single submitter. Criteria: ACGS Best Practice Guidelines for Variant Classification in Rare Disease 2024 v1.2. Collection method: clinical testing. Allele origin: germline. Affected: yes.
Comment: PM2_moderate, PVS1_very-strong

Pittsburgh Clinical Genomics Laboratory, University of Pittsburgh Medical Center
Classification: Likely pathogenic for Retinitis pigmentosa 1. Last evaluated: 2021-06-16. Review status: criteria provided, single submitter. Criteria: ACMG Guidelines, 2015. Collection method: clinical testing. Allele origin: germline. Inheritance: Autosomal unknown. Affected: yes.
Comment: This sequence variant is a single nucleotide deletion (delG) in exon 2 of 4, and may result in a truncated protein or a loss of RP1 expression due to nonsense mediated decay. This variant has been reported in a single patient with Autosomal recessive inheritance retinitis pigmentosa in the literature (PMID: 29099798) and is absent in control population datasets (gnomAD database). Studies assessing the effect of this variant on RP1 function have not been performed, to our knowledge. Based upon the evidence, we consider this variant to be likely pathogenic. ACMG Criteria: PM2, PVS1

Literature cited by the submitters: PubMed 29099798 (cited by Pittsburgh Clinical Genomics Laboratory, University of Pittsburgh Medical Center).